The following is an entry in ClinVar:

NM_000834.5(GRIN2B):c.3707G>A (p.Arg1236Lys)

Gene: GRIN2B (glutamate ionotropic receptor NMDA type subunit 2B; minus strand). Cytogenetic location: 12p13.1.
Variant type: single nucleotide variant.
Coding change: c.3707G>A on transcript NM_000834.5 (MANE Select); coding-DNA position 3707, G replaced by A.
Protein change: p.Arg1236Lys; replaces arginine 1236 with lysine.
Molecular consequence: missense variant.
Genome position (GRCh38, 1-based): chr12:13,563,531, C>T on the plus strand (G>A on the coding strand, the complement: GRIN2B is on the minus strand). VCF-style: chr12-13563531-C-T. GRCh37 (hg19) VCF-style: chr12-13716465-C-T.
Other names: c.3707G>A, p.Arg1236Lys (NM_001413992.1); short protein forms R1236K.
Identifiers: ClinVar variation 4882752 (VCV004882752.2).

ClinVar aggregate classification (germline): Uncertain significance (1 of 4 stars; one submission).

Submission:

Dasa
Classification: Uncertain significance. Last evaluated: 2024-12-12. Review status: criteria provided, single submitter. Criteria: DASA Assertion Criteria. Collection method: clinical testing. Allele origin: germline.
Comment: NM_000834.5(GRIN2B):c.3707G>A (p.Arg1236Lys) is a missense variant that results in the substitution of arginine with lysine. This variant is absent from population databases. Computational prediction algorithms are consistent with a benign effect. The currently available literature and clinical evidence are not sufficient to establish a definitive association between this variant and the reported condition. Therefore, this variant is classified as a variant of uncertain significance.